The following is an entry in ClinVar:

ClinVar aggregate classification (germline): Uncertain significance. Review status: criteria provided, multiple submitters, no conflicts (2 of 4 stars). 2 submissions from 2 submitters: Uncertain significance (2). Last evaluated 2023-12-21.

Conditions:
Early-infantile DEE. Also called: Ohtahara syndrome; Early infantile epileptic encephalopathy; Early infantile epileptic encephalopathy with suppression bursts. Identifiers: Orphanet 1934, MedGen C0393706, MONDO:0800491.
Inborn genetic diseases. Identifiers: MedGen C0950123, MeSH D030342.

Allele frequency attached by ClinVar (database versions not stated): gnomAD exomes 0.00001; TOPMed 0.00001.

Submissions (2):

Ambry Genetics
Classification: Uncertain significance for Inborn genetic diseases. Last evaluated: 2023-12-21. Review status: criteria provided, single submitter. Criteria: Ambry Variant Classification Scheme 2023. Collection method: clinical testing. Allele origin: germline.

Labcorp Genetics (formerly Invitae), Labcorp
Classification: Uncertain significance for Early-infantile DEE. Last evaluated: 2023-09-09. Review status: criteria provided, single submitter. Criteria: Invitae Variant Classification Sherloc (09022015). Collection method: clinical testing. Allele origin: germline.
Comment: This variant is present in population databases (rs537663540, gnomAD 0.003%). This sequence change replaces arginine, which is basic and polar, with histidine, which is basic and polar, at codon 1327 of the SPTAN1 protein (p.Arg1327His). This variant has not been reported in the literature in individuals affected with SPTAN1-related conditions. ClinVar contains an entry for this variant (Variation ID: 1931995). Advanced modeling of protein sequence and biophysical properties (such as structural, functional, and spatial information, amino acid conservation, physicochemical variation, residue mobility, and thermodynamic stability) has been performed at Invitae for this missense variant, however the output from this modeling did not meet the statistical confidence thresholds required to predict the impact of this variant on SPTAN1 protein function. In summary, the available evidence is currently insufficient to determine the role of this variant in disease. Therefore, it has been classified as a Variant of Uncertain Significance.

NM_001130438.3(SPTAN1):c.3980G>A (p.Arg1327His)

Gene: SPTAN1 (spectrin alpha, non-erythrocytic 1; plus strand). Cytogenetic location: 9q34.11.
Variant type: single nucleotide variant.
Coding change: c.3980G>A on transcript NM_001130438.3 (MANE Select); coding-DNA position 3980, G replaced by A.
Protein change: p.Arg1327His; replaces arginine 1327 with histidine.
Molecular consequence: missense variant.
Genome position (GRCh38, 1-based): chr9:128,605,411, G>A. VCF-style: chr9-128605411-G-A. GRCh37 (hg19) VCF-style: chr9-131367690-G-A.
Other names: c.3920G>A, p.Arg1307His (NM_001195532.2, NM_001363765.2, NM_001375314.2); c.3980G>A, p.Arg1327His (NM_001363759.2, NM_001375310.1, NM_001375311.2 and 2 more transcripts); c.4016G>A, p.Arg1339His (NM_001375312.2, NM_001375318.1); c.3980G>A (NM_001130438.2); short protein forms R1327H, R1339H, R1307H.
Identifiers: ClinVar variation 1931995 (VCV001931995.6), dbSNP rs537663540, ClinGen allele CA5265084.